The following is an entry in ClinVar:

NM_014017.4(LAMTOR2):c.376del (p.Ter126AsnextTer?)

Gene: LAMTOR2 (late endosomal/lysosomal adaptor, MAPK and MTOR activator 2; plus strand). Cytogenetic location: 1q22.
Variant type: Deletion.
Coding change: c.376del on transcript NM_014017.4 (MANE Select); coding-DNA position 376, one base deleted (T; older notation c.376delT).
Protein change: p.Ter126AsnextTer?.
Molecular consequence: frameshift variant, stop lost.
Genome position (GRCh38, 1-based): chr1:156,058,369, T deleted; the last of 2 consecutive T bases (chr1:156,058,368-156,058,369); deleting either gives the same sequence. VCF-style (leftmost placement, unchanged base first): chr1-156058367-CT-C. GRCh37 (hg19) VCF-style: chr1-156028158-CT-C.
Other names: c.286del, p.Ter96AsnextTer? (NM_001145264.2).
Identifiers: ClinVar variation 1011913 (VCV001011913.6), dbSNP rs1647441845, ClinGen allele CA1200440819.

ClinVar aggregate classification (germline): Uncertain significance (1 of 4 stars; one submission).

Submission:

Labcorp Genetics (formerly Invitae), Labcorp
Classification: Uncertain significance. Last evaluated: 2025-05-06. Review status: criteria provided, single submitter. Criteria: Invitae Variant Classification Sherloc (09022015). Collection method: clinical testing. Allele origin: germline.
Comment: This sequence change disrupts the translational stop signal of the LAMTOR2 mRNA. It is expected to extend the length of the LAMTOR2 protein by 21 additional amino acid residues. This variant is not present in population databases (gnomAD no frequency). This variant has not been reported in the literature in individuals affected with LAMTOR2-related conditions. ClinVar contains an entry for this variant (Variation ID: 1011913). Experimental studies and prediction algorithms are not available or were not evaluated, and the functional significance of this variant is currently unknown. In summary, the available evidence is currently insufficient to determine the role of this variant in disease. Therefore, it has been classified as a Variant of Uncertain Significance.